The following is an entry in ClinVar:

ClinVar aggregate classification (germline): Uncertain significance (1 of 4 stars; one submission).

Conditions:
Amyotrophic lateral sclerosis (ALS). Also called: Lou Gehrig disease; Charcot disease. Identifiers: Orphanet 803, MedGen C0002736, MONDO:0004976, HP:0007354.

gnomAD v4.1: 3 of 1,614,006 alleles (0.00019%); highest among the groups gnomAD compares: Non-Finnish European, 0.00017%; no homozygotes.

Submission:

Neurogenetics, Cyprus Institute of Neurology and Genetics
Classification: Uncertain significance for Amyotrophic lateral sclerosis. Last evaluated: 2024-08-10. Review status: criteria provided, single submitter. Criteria: ACMG Guidelines 2015. Collection method: clinical testing. Allele origin: germline. Inheritance: Autosomal dominant inheritance. Affected: yes.
Comment: BICD2 c.1180C>A (NM_001003800.2) sequence change replaces Leucine to Methionine at codon 394 of BICD Cargo Adaptor 2 protein (p.Leu394Met). The variant is present in extremely low frequency in gnomAD population databases (PM2). In silico, prediction analysis showed that this variant is damaging, however, available data are incomplete and are not able to determine the clinical significance of the variant at this time. In summary, the currently available evidence indicates that the variant is of an uncertain significance.

NM_001003800.2(BICD2):c.1180C>A (p.Leu394Met)

Gene: BICD2 (BICD cargo adaptor 2; minus strand). Cytogenetic location: 9q22.31.
Variant type: single nucleotide variant.
Coding change: c.1180C>A on transcript NM_001003800.2 (MANE Select); coding-DNA position 1180, C replaced by A.
Protein change: p.Leu394Met; replaces leucine 394 with methionine.
Molecular consequence: missense variant.
Genome position (GRCh38, 1-based): chr9:92,719,465, G>T on the plus strand (C>A on the coding strand, the complement: BICD2 is on the minus strand). VCF-style: chr9-92719465-G-T. GRCh37 (hg19) VCF-style: chr9-95481747-G-T.
Other names: c.1180C>A, p.Leu394Met (NM_015250.4); short protein forms L394M.
Identifiers: ClinVar variation 3336831 (VCV003336831.1), dbSNP rs775633720.